The following is an entry in ClinVar:

NM_000127.3(EXT1):c.78G>T (p.Leu26Phe)

Gene: EXT1 (exostosin glycosyltransferase 1; minus strand). Cytogenetic location: 8q24.11.
Variant type: single nucleotide variant.
Coding change: c.78G>T on transcript NM_000127.3 (MANE Select); coding-DNA position 78, G replaced by T.
Protein change: p.Leu26Phe; replaces leucine 26 with phenylalanine.
Molecular consequence: missense variant.
Genome position (GRCh38, 1-based): chr8:118,110,969, C>A on the plus strand (G>T on the coding strand, the complement: EXT1 is on the minus strand). VCF-style: chr8-118110969-C-A. GRCh37 (hg19) VCF-style: chr8-119123208-C-A.
Other names: short protein forms L26F.
Identifiers: ClinVar variation 3241445 (VCV003241445.2), dbSNP rs1817892776.
Genomic context (GRCh38, chr8:118,110,969, plus strand): 5'-CAAGCCATTCCTACCGCTGTGTTCTTCTCTCCGGCTGTGGCTCCTCGATGCCCTAAACTG[C>A]AAGCCTCCGAAATAAAACAAAAGGGCGAGACAAGAGCCAGCTGAGAGCAGGATGAAATAG-3'
Protein context (NP_000118.2, residues 16-36): CLALLFYFGG[Leu26Phe]QFRASRSHSR

ClinVar aggregate classification (germline): Uncertain significance. Review status: criteria provided, multiple submitters, no conflicts (2 of 4 stars). 2 submissions from 2 submitters: Uncertain significance (2). Last evaluated 2025-08-20.

Conditions:
Multiple congenital exostosis (EXT). Also called: Hereditary multiple osteochondromas; MULTIPLE CARTILAGINOUS EXOSTOSES; Multiple osteochondromas; Multiple exostoses; Hereditary multiple exostoses; Hereditary multiple exostosis. Identifiers: Orphanet 321, MedGen C0015306, MONDO:0005508, HP:0002762.
Chondrosarcoma. Also called: Chondrosarcoma, somatic. Identifiers: Orphanet 55880, MedGen C0008479, MONDO:0008977, OMIM 215300, HP:0006765.

Allele frequency attached by ClinVar (database versions not stated): gnomAD exomes below 0.00001; TOPMed below 0.00001.
gnomAD v4.1: 2 of 1,611,526 alleles (0.00012%); highest among the groups gnomAD compares: Non-Finnish European, 0.00017%; no homozygotes.

Submissions (2):

Labcorp Genetics (formerly Invitae), Labcorp
Classification: Uncertain significance for Multiple congenital exostosis. Last evaluated: 2025-08-20. Review status: criteria provided, single submitter. Criteria: Invitae Variant Classification Sherloc (09022015). Collection method: clinical testing. Allele origin: germline.
Comment: This sequence change replaces leucine, which is neutral and non-polar, with phenylalanine, which is neutral and non-polar, at codon 26 of the EXT1 protein (p.Leu26Phe). This variant is not present in population databases (gnomAD no frequency). This variant has not been reported in the literature in individuals affected with EXT1-related conditions. ClinVar contains an entry for this variant (Variation ID: 3241445). Invitae Evidence Modeling of protein sequence and biophysical properties (such as structural, functional, and spatial information, amino acid conservation, physicochemical variation, residue mobility, and thermodynamic stability) indicates that this missense variant is not expected to disrupt EXT1 protein function with a negative predictive value of 95%. In summary, the available evidence is currently insufficient to determine the role of this variant in disease. Therefore, it has been classified as a Variant of Uncertain Significance.

Baylor Genetics
Classification: Uncertain significance for Chondrosarcoma. Last evaluated: 2024-02-29. Review status: criteria provided, single submitter. Criteria: ACMG Guidelines, 2015. Collection method: clinical testing. Allele origin: unknown.